The following is an entry in ClinVar:

ClinVar aggregate classification (germline): Uncertain significance (1 of 4 stars; one submission).

Submission:

GeneDx
Classification: Uncertain significance. Last evaluated: 2026-01-22. Review status: criteria provided, single submitter. Criteria: GeneDx Variant Classification Process June 2021. Collection method: clinical testing. Allele origin: germline.
Comment: Not observed at significant frequency in large population cohorts (gnomAD); In silico analysis supports that this missense variant has a deleterious effect on protein structure/function; Has not been previously published as pathogenic or benign to our knowledge

NM_001658.4(ARF1):c.400A>G (p.Met134Val)

Genes: ARF1 (ARF GTPase 1; plus strand), LOC126806039 (CDK7 strongly-dependent group 2 enhancer GRCh37_chr1:228284937-228286136; plus strand). Cytogenetic location: 1q42.13.
Variant type: single nucleotide variant.
Coding change: c.400A>G on transcript NM_001658.4 (MANE Select); coding-DNA position 400, A replaced by G.
Protein change: p.Met134Val; replaces methionine 134 with valine.
Molecular consequence: missense variant.
Genome position (GRCh38, 1-based): chr1:228,097,867, A>G. VCF-style: chr1-228097867-A-G. GRCh37 (hg19) VCF-style: chr1-228285568-A-G.
Other names: c.400A>G, p.Met134Val (NM_001024226.2, NM_001024227.1, NM_001024228.2); short protein forms M134V.
Identifiers: ClinVar variation 4975420 (VCV004975420.1).
Genomic context (GRCh38, chr1:228,097,867, plus strand): 5'-TCTGTCCTGTGGACAGCCCTTCCCACCAACCCTTCCTTCCCCCAGGACCTCCCCAACGCC[A>G]TGAATGCGGCCGAGATCACAGACAAGCTGGGGCTGCACTCACTACGCCACAGGAACTGGT-3'
Protein context (NP_001649.1, residues 124-144): FANKQDLPNA[Met134Val]NAAEITDKLG